The following is an entry in ClinVar:

NM_005560.6(LAMA5):c.944C>T (p.Thr315Met)

Gene: LAMA5 (laminin subunit alpha 5; minus strand). Cytogenetic location: 20q13.33.
Variant type: single nucleotide variant.
Coding change: c.944C>T on transcript NM_005560.6 (MANE Select); coding-DNA position 944, C replaced by T.
Protein change: p.Thr315Met; replaces threonine 315 with methionine.
Molecular consequence: missense variant.
Genome position (GRCh38, 1-based): chr20:62,351,716, G>A on the plus strand (C>T on the coding strand, the complement: LAMA5 is on the minus strand). VCF-style: chr20-62351716-G-A. GRCh37 (hg19) VCF-style: chr20-60926772-G-A.
Other names: short protein forms T315M.
Identifiers: ClinVar variation 1373587 (VCV001373587.6), dbSNP rs114928407, ClinGen allele CA9944214.

ClinVar aggregate classification (germline): Uncertain significance. Review status: criteria provided, multiple submitters, no conflicts (2 of 4 stars). 2 submissions from 2 submitters: Uncertain significance (2). Last evaluated 2023-12-21.

Allele frequency attached by ClinVar (database versions not stated): gnomAD exomes 0.00022; ExAC 0.00029; gnomAD 0.00029 and 0.00030; TOPMed 0.00032; ESP Exome Variant Server 0.00054; 1000 Genomes Project 30x 0.00078; 1000 Genomes Project 0.00080.
gnomAD v4.1: 501 of 1,611,648 alleles (0.031%); highest among the groups gnomAD compares: Middle Eastern, 0.12%; no homozygotes.

Submissions (2):

Labcorp Genetics (formerly Invitae), Labcorp
Classification: Uncertain significance. Last evaluated: 2023-12-21. Review status: criteria provided, single submitter. Criteria: Invitae Variant Classification Sherloc (09022015). Collection method: clinical testing. Allele origin: germline.
Comment: This sequence change replaces threonine, which is neutral and polar, with methionine, which is neutral and non-polar, at codon 315 of the LAMA5 protein (p.Thr315Met). This variant is present in population databases (rs114928407, gnomAD 0.05%). This variant has not been reported in the literature in individuals affected with LAMA5-related conditions. ClinVar contains an entry for this variant (Variation ID: 1373587). An algorithm developed to predict the effect of missense changes on protein structure and function (PolyPhen-2) suggests that this variant is likely to be disruptive. In summary, the available evidence is currently insufficient to determine the role of this variant in disease. Therefore, it has been classified as a Variant of Uncertain Significance.

Breakthrough Genomics
Classification: Uncertain significance. Review status: criteria provided, single submitter. Criteria: ACMG Guidelines, 2015. Collection method: not provided. Allele origin: germline. Inheritance: Autosomal dominant inheritance. Affected: yes.